The following is an entry in ClinVar:

NM_001197104.2(KMT2A):c.266C>T (p.Ala89Val)

Gene: KMT2A (lysine methyltransferase 2A; plus strand). Cytogenetic location: 11q23.3.
Variant type: single nucleotide variant.
Coding change: c.266C>T on transcript NM_001197104.2 (MANE Select); coding-DNA position 266, C replaced by T.
Protein change: p.Ala89Val; replaces alanine 89 with valine.
Molecular consequence: missense variant.
Genome position (GRCh38, 1-based): chr11:118,436,778, C>T. VCF-style: chr11-118436778-C-T. GRCh37 (hg19) VCF-style: chr11-118307493-C-T.
Other names: c.266C>T, p.Ala89Val (NM_001412597.1, NM_005933.4); short protein forms A89V.
Identifiers: ClinVar variation 2835631 (VCV002835631.3), dbSNP rs2497101773, ClinGen allele CA382797938.

ClinVar aggregate classification (germline): Uncertain significance (1 of 4 stars; one submission).

Allele frequency attached by ClinVar (database versions not stated): gnomAD exomes below 0.00001.
gnomAD v4.1: 1 of 1,605,274 alleles (0.000062%); highest among the groups gnomAD compares: South Asian, 0.0011%; no homozygotes.

Submission:

Labcorp Genetics (formerly Invitae), Labcorp
Classification: Uncertain significance. Last evaluated: 2023-02-08. Review status: criteria provided, single submitter. Criteria: Invitae Variant Classification Sherloc (09022015). Collection method: clinical testing. Allele origin: germline.
Comment: In summary, the available evidence is currently insufficient to determine the role of this variant in disease. Therefore, it has been classified as a Variant of Uncertain Significance. Advanced modeling of protein sequence and biophysical properties (such as structural, functional, and spatial information, amino acid conservation, physicochemical variation, residue mobility, and thermodynamic stability) has been performed at Invitae for this missense variant, however the output from this modeling did not meet the statistical confidence thresholds required to predict the impact of this variant on KMT2A protein function. This sequence change replaces alanine, which is neutral and non-polar, with valine, which is neutral and non-polar, at codon 89 of the KMT2A protein (p.Ala89Val). This variant is not present in population databases (gnomAD no frequency). This variant has not been reported in the literature in individuals affected with KMT2A-related conditions.